The following is an entry in ClinVar:

ClinVar aggregate classification (germline): Uncertain significance. Review status: criteria provided, multiple submitters, no conflicts (2 of 4 stars). 3 submissions from 3 submitters: Uncertain significance (3). Last evaluated 2024-08-09.

Conditions:
Hereditary pancreatitis (PCTT). Also called: Hereditary chronic pancreatitis; PRSS1-Related Hereditary Pancreatitis. Identifiers: Orphanet 676, MedGen C0238339, MONDO:0008185, OMIM 167800.

Allele frequency attached by ClinVar (database versions not stated): gnomAD exomes below 0.00001.

Submissions (3):

Ambry Genetics
Classification: Uncertain significance for Hereditary pancreatitis. Last evaluated: 2024-08-09. Review status: criteria provided, single submitter. Criteria: Ambry Variant Classification Scheme 2023. Collection method: clinical testing. Allele origin: germline.
Comment: The p.A65V variant (also known as c.194C>T), located in coding exon 3 of the CTRC gene, results from a C to T substitution at nucleotide position 194. The alanine at codon 65 is replaced by valine, an amino acid with similar properties. This amino acid position is conserved. In addition, the in silico prediction for this alteration is inconclusive. Based on the available evidence, the clinical significance of this variant remains unclear.

Labcorp Genetics (formerly Invitae), Labcorp
Classification: Uncertain significance for Hereditary pancreatitis. Last evaluated: 2022-08-21. Review status: criteria provided, single submitter. Criteria: Invitae Variant Classification Sherloc (09022015). Collection method: clinical testing. Allele origin: germline.
Comment: This variant has not been reported in the literature in individuals affected with CTRC-related conditions. This variant is not present in population databases (gnomAD no frequency). This sequence change replaces alanine, which is neutral and non-polar, with valine, which is neutral and non-polar, at codon 65 of the CTRC protein (p.Ala65Val). ClinVar contains an entry for this variant (Variation ID: 1163725). In summary, the available evidence is currently insufficient to determine the role of this variant in disease. Therefore, it has been classified as a Variant of Uncertain Significance. Algorithms developed to predict the effect of missense changes on protein structure and function are either unavailable or do not agree on the potential impact of this missense change (SIFT: "Deleterious"; PolyPhen-2: "Possibly Damaging"; Align-GVGD: "Class C0").

Mayo Clinic Laboratories, Mayo Clinic
Classification: Uncertain significance. Last evaluated: 2020-08-26. Review status: criteria provided, single submitter. Criteria: ACMG Guidelines, 2015. Collection method: clinical testing. Allele origin: germline. Observed: 1 variant allele.

NM_007272.3(CTRC):c.194C>T (p.Ala65Val)

Gene: CTRC (chymotrypsin C; plus strand). Cytogenetic location: 1p36.21.
Variant type: single nucleotide variant.
Coding change: c.194C>T on transcript NM_007272.3 (MANE Select); coding-DNA position 194, C replaced by T.
Protein change: p.Ala65Val; replaces alanine 65 with valine.
Molecular consequence: missense variant.
Genome position (GRCh38, 1-based): chr1:15,440,554, C>T. VCF-style: chr1-15440554-C-T. GRCh37 (hg19) VCF-style: chr1-15767050-C-T.
Other names: short protein forms A65V.
Identifiers: ClinVar variation 1163725 (VCV001163725.10), dbSNP rs2103289502, ClinGen allele CA338565073.